The following is an entry in ClinVar:

ClinVar aggregate classification (germline): Uncertain significance (1 of 4 stars; one submission).

Conditions:
Mowat-Wilson syndrome (MOWS). Also called: Classic Mowat-Wilson Syndrome. Identifiers: Orphanet 2152, MedGen C1856113, MONDO:0009341, OMIM 235730.

Submission:

Labcorp Genetics (formerly Invitae), Labcorp
Classification: Uncertain significance for Mowat-Wilson syndrome. Last evaluated: 2020-02-06. Review status: criteria provided, single submitter. Criteria: Invitae Variant Classification Sherloc (09022015). Collection method: clinical testing. Allele origin: germline.
Comment: In summary, the available evidence is currently insufficient to determine the role of this variant in disease. Therefore, it has been classified as a Variant of Uncertain Significance. Algorithms developed to predict the effect of missense changes on protein structure and function (SIFT, PolyPhen-2, Align-GVGD) all suggest that this variant is likely to be tolerated, but these predictions have not been confirmed by published functional studies and their clinical significance is uncertain. This variant has not been reported in the literature in individuals with ZEB2-related conditions. This variant is not present in population databases (ExAC no frequency). This sequence change replaces arginine with leucine at codon 15 of the ZEB2 protein (p.Arg15Leu). The arginine residue is weakly conserved and there is a moderate physicochemical difference between arginine and leucine.

NM_014795.4(ZEB2):c.44G>T (p.Arg15Leu)

Gene: ZEB2 (zinc finger E-box binding homeobox 2; minus strand). Cytogenetic location: 2q22.3.
Variant type: single nucleotide variant.
Coding change: c.44G>T on transcript NM_014795.4 (MANE Select); coding-DNA position 44, G replaced by T.
Protein change: p.Arg15Leu; replaces arginine 15 with leucine.
Molecular consequence: missense variant. On other transcripts: non-coding transcript variant (1).
Genome position (GRCh38, 1-based): chr2:144,517,307, C>A on the plus strand (G>T on the coding strand, the complement: ZEB2 is on the minus strand). VCF-style: chr2-144517307-C-A. GRCh37 (hg19) VCF-style: chr2-145274874-C-A.
Other names: c.44G>T, p.Arg15Leu (NM_001171653.2); short protein forms R15L.
Identifiers: ClinVar variation 1053591 (VCV001053591.9), dbSNP rs759024037, ClinGen allele CA348858359.